The following is an entry in ClinVar:

ClinVar aggregate classification (germline): Benign. Review status: criteria provided, single submitter (1 of 4 stars). 2 submissions from 1 submitter: Benign (2). Last evaluated 2018-01-13.

Conditions:
Van der Woude syndrome 1. Also called: CLEFT LIP AND/OR PALATE WITH MUCOUS CYSTS OF LOWER LIP; van der Woude Syndrome (VWS). Identifiers: MedGen C4551864, MONDO:0007333, OMIM 119300.
Orofacial cleft 6, susceptibility to (OFC6). Also called: CLEFT LIP WITH OR WITHOUT CLEFT PALATE, NONSYNDROMIC, 6. Identifiers: MedGen C1837213, MONDO:0012141, OMIM 608864.

Allele frequency attached by ClinVar (database versions not stated): TOPMed 0.00003; gnomAD 0.00005 and 0.00009; gnomAD exomes 0.00011; 1000 Genomes Project 0.00040; 1000 Genomes Project 30x 0.00047.
gnomAD v4.1: 33 of 329,142 alleles (0.01%); highest among the groups gnomAD compares: East Asian, 0.24%; 1 homozygote.

Submissions (2):

Illumina Laboratory Services, Illumina
Classification: Benign for Orofacial cleft 6, susceptibility to. Last evaluated: 2018-01-13. Review status: criteria provided, single submitter. Criteria: ICSL Variant Classification Criteria 13 December 2019. Collection method: clinical testing. Allele origin: germline.
Comment: This variant was observed in the ICSL laboratory as part of a predisposition screen in an ostensibly healthy population. It had not been previously curated by ICSL or reported in the Human Gene Mutation Database (HGMD: prior to June 1st, 2018), and was therefore a candidate for classification through an automated scoring system. Utilizing variant allele frequency, disease prevalence and penetrance estimates, and inheritance mode, an automated score was calculated to assess if this variant is too frequent to cause the disease. Based on the score and internal cut-off values, a variant classified as benign is not then subjected to further curation. The score for this variant resulted in a classification of benign for this disease.

Illumina Laboratory Services, Illumina
Classification: Benign for Van der Woude syndrome 1. Last evaluated: 2018-01-13. Review status: criteria provided, single submitter. Criteria: ICSL Variant Classification Criteria 13 December 2019. Collection method: clinical testing. Allele origin: germline.
Comment: the same text as in the submission from Illumina Laboratory Services, Illumina above.

NM_006147.4(IRF6):c.*342A>C

Gene: IRF6 (interferon regulatory factor 6; minus strand). Cytogenetic location: 1q32.2.
Variant type: single nucleotide variant.
Coding change: c.*342A>C on transcript NM_006147.4 (MANE Select); 342 bases downstream of the stop codon, A replaced by C.
Molecular consequence: 3 prime UTR variant.
Genome position (GRCh38, 1-based): chr1:209,788,078, T>G on the plus strand (A>C on the coding strand, the complement: IRF6 is on the minus strand). VCF-style: chr1-209788078-T-G. GRCh37 (hg19) VCF-style: chr1-209961423-T-G.
Other names: c.*342A>C (NM_001206696.2).
Identifiers: ClinVar variation 295202 (VCV000295202.5), dbSNP rs146078290, ClinGen allele CA10608900.
Genomic context (GRCh38, chr1:209,788,078, plus strand): 5'-GGTCATTGAGTCCGTTCTAAAGCTGGATGCAATTTCAGGCACTACTCCAATCTCTTCACT[T>G]TATAAGCAATAAATCTGAAGCCCAGAGGTTAAAGGACTTGTTCAAGGTCACATTGGAAGC-3'